The following is an entry in ClinVar:

NM_001171.6(ABCC6):c.2995+4C>T

Gene: ABCC6 (ATP binding cassette subfamily C member 6; minus strand). Cytogenetic location: 16p13.11.
Variant type: single nucleotide variant.
Coding change: c.2995+4C>T on transcript NM_001171.6 (MANE Select); 4 bases into the intron after coding-DNA position 2995, C replaced by T.
Molecular consequence: intron variant.
Genome position (GRCh38, 1-based): chr16:16,169,642, G>A on the plus strand (C>T on the coding strand, the complement: ABCC6 is on the minus strand). VCF-style: chr16-16169642-G-A. GRCh37 (hg19) VCF-style: chr16-16263499-G-A.
Other names: c.2653+4C>T (NM_001351800.1).
Identifiers: ClinVar variation 1410448 (VCV001410448.4), dbSNP rs376872423, ClinGen allele CA7925724.

ClinVar aggregate classification (germline): Conflicting classifications of pathogenicity. Review status: criteria provided, conflicting classifications (1 of 4 stars). 2 submissions from 2 submitters: Uncertain significance (1); Likely benign (1). Last evaluated 2024-07-29.

Allele frequency attached by ClinVar (database versions not stated): gnomAD exomes 0.00003; ExAC 0.00004; TOPMed 0.00005; gnomAD 0.00006; ESP Exome Variant Server 0.00008.
gnomAD v4.1: 139 of 1,610,204 alleles (0.0086%); highest among the groups gnomAD compares: Non-Finnish European, 0.011%; no homozygotes.

Submissions (2):

Blueprint Genetics
Classification: Likely benign. Last evaluated: 2024-07-29. Review status: criteria provided, single submitter. Criteria: ACMG Guidelines, 2015. Collection method: clinical testing. Allele origin: germline.

Labcorp Genetics (formerly Invitae), Labcorp
Classification: Uncertain significance. Last evaluated: 2022-07-26. Review status: criteria provided, single submitter. Criteria: Invitae Variant Classification Sherloc (09022015). Collection method: clinical testing. Allele origin: germline.
Comment: This sequence change falls in intron 22 of the ABCC6 gene. It does not directly change the encoded amino acid sequence of the ABCC6 protein. It affects a nucleotide within the consensus splice site. This variant is present in population databases (rs376872423, gnomAD 0.01%). This variant has not been reported in the literature in individuals affected with ABCC6-related conditions. ClinVar contains an entry for this variant (Variation ID: 1410448). Variants that disrupt the consensus splice site are a relatively common cause of aberrant splicing (PMID: 17576681, 9536098). Algorithms developed to predict the effect of sequence changes on RNA splicing suggest that this variant is not likely to affect RNA splicing. In summary, the available evidence is currently insufficient to determine the role of this variant in disease. Therefore, it has been classified as a Variant of Uncertain Significance.

Literature cited by the submitters: PubMed 17576681 (cited by Labcorp Genetics (formerly Invitae), Labcorp); PubMed 9536098 (cited by Labcorp Genetics (formerly Invitae), Labcorp).